The following is an entry in ClinVar:

ClinVar aggregate classification (germline): Uncertain significance (1 of 4 stars; one submission).

gnomAD v4.1: 17 of 1,614,024 alleles (0.0011%); highest among the groups gnomAD compares: East Asian, 0.0067%; 1 homozygote.

Submission:

Labcorp Genetics (formerly Invitae), Labcorp
Classification: Uncertain significance. Last evaluated: 2024-05-22. Review status: criteria provided, single submitter. Criteria: Invitae Variant Classification Sherloc (09022015). Collection method: clinical testing. Allele origin: germline.
Comment: This sequence change replaces proline, which is neutral and non-polar, with arginine, which is basic and polar, at codon 43 of the CACNA1D protein (p.Pro43Arg). This variant is present in population databases (rs758415159, gnomAD 0.01%), including at least one homozygous and/or hemizygous individual. This variant has not been reported in the literature in individuals affected with CACNA1D-related conditions. An algorithm developed to predict the effect of missense changes on protein structure and function (PolyPhen-2) suggests that this variant is likely to be tolerated. In summary, the available evidence is currently insufficient to determine the role of this variant in disease. Therefore, it has been classified as a Variant of Uncertain Significance.

NM_001128840.3(CACNA1D):c.128C>G (p.Pro43Arg)

Gene: CACNA1D (calcium voltage-gated channel subunit alpha1 D; plus strand). Cytogenetic location: 3p21.1.
Variant type: single nucleotide variant.
Coding change: c.128C>G on transcript NM_001128840.3 (MANE Select); coding-DNA position 128, C replaced by G.
Protein change: p.Pro43Arg; replaces proline 43 with arginine.
Molecular consequence: missense variant.
Genome position (GRCh38, 1-based): chr3:53,497,212, C>G. VCF-style: chr3-53497212-C-G. GRCh37 (hg19) VCF-style: chr3-53531239-C-G.
Other names: c.128C>G, p.Pro43Arg (NM_000720.4, NM_001128839.3); short protein forms P43R.
Identifiers: ClinVar variation 3701134 (VCV003701134.2).